The following is an entry in ClinVar:

NM_006295.3(VARS1):c.220G>T (p.Ala74Ser)

Gene: VARS1 (valyl-tRNA synthetase 1; minus strand). Cytogenetic location: 6p21.33.
Variant type: single nucleotide variant.
Coding change: c.220G>T on transcript NM_006295.3 (MANE Select); coding-DNA position 220, G replaced by T.
Protein change: p.Ala74Ser; replaces alanine 74 with serine.
Molecular consequence: missense variant.
Genome position (GRCh38, 1-based): chr6:31,794,998, C>A on the plus strand (G>T on the coding strand, the complement: VARS1 is on the minus strand). VCF-style: chr6-31794998-C-A. GRCh37 (hg19) VCF-style: chr6-31762775-C-A.
Other names: short protein forms A74S.
Identifiers: ClinVar variation 2501936 (VCV002501936.1), dbSNP rs2480951442, ClinGen allele CA363483863.

ClinVar aggregate classification (germline): Uncertain significance (1 of 4 stars; one submission).

Submission:

GeneDx
Classification: Uncertain significance. Last evaluated: 2022-11-11. Review status: criteria provided, single submitter. Criteria: GeneDx Variant Classification Process June 2021. Collection method: clinical testing. Allele origin: germline. Affected: yes.
Comment: Not observed at significant frequency in large population cohorts (gnomAD); In silico analysis supports that this missense variant has a deleterious effect on protein structure/function; Has not been previously published as pathogenic or benign to our knowledge